The following is an entry in ClinVar:

ClinVar aggregate classification (germline): Likely pathogenic (1 of 4 stars; one submission).

Conditions:
TSHR-related disorder. Also called: TSHR-related disorders; TSHR-related condition.

Submission:

PreventionGenetics, part of Exact Sciences
Classification: Likely pathogenic for TSHR-related condition. Last evaluated: 2025-07-03. Review status: criteria provided, single submitter. Criteria: ACMG Guidelines, 2015. Collection method: clinical testing. Allele origin: germline.
Comment: The TSHR c.1895C>T variant is predicted to result in the amino acid substitution p.Thr632Ile. This variant has been reported in the heterozygous state in individuals with nonautoimmune hyperthyroidism, and it occurred de novo in many of these individuals (see, for example, Kopp et al. 1997. PubMed ID: 9349581; Biebermann et al. 2000. PubMed ID: 11127522; Chawla et al. 2015. PubMed ID: 26114856). This variant has not been reported in a large population database (gnomAD), indicating it is rare. In vitro experimental studies indicate this variant impacts protein function (Lueblinghoff et al. 2009. PubMed ID: 19636218). This variant is interpreted as likely pathogenic.

NM_000369.5(TSHR):c.1895C>T (p.Thr632Ile)

Genes: TSHR (thyroid stimulating hormone receptor; plus strand), TSHR-AS1 (TSHR antisense RNA 1; minus strand). Cytogenetic location: 14q31.1.
Variant type: single nucleotide variant.
Coding change: c.1895C>T on transcript NM_000369.5 (MANE Select); coding-DNA position 1895, C replaced by T.
Protein change: p.Thr632Ile; replaces threonine 632 with isoleucine.
Molecular consequence: missense variant.
Genome position (GRCh38, 1-based): chr14:81,143,953, C>T. VCF-style: chr14-81143953-C-T. GRCh37 (hg19) VCF-style: chr14-81610297-C-T.
Other names: short protein forms T632I.
Identifiers: ClinVar variation 5001995 (VCV005001995.1).